The following is an entry in ClinVar:

NM_004519.4(KCNQ3):c.1975C>T (p.Pro659Ser)

Gene: KCNQ3 (potassium voltage-gated channel subfamily Q member 3; minus strand). Cytogenetic location: 8q24.22.
Variant type: single nucleotide variant.
Coding change: c.1975C>T on transcript NM_004519.4 (MANE Select); coding-DNA position 1975, C replaced by T.
Protein change: p.Pro659Ser; replaces proline 659 with serine.
Molecular consequence: missense variant.
Genome position (GRCh38, 1-based): chr8:132,129,906, G>A on the plus strand (C>T on the coding strand, the complement: KCNQ3 is on the minus strand). VCF-style: chr8-132129906-G-A. GRCh37 (hg19) VCF-style: chr8-133142153-G-A.
Other names: c.1615C>T, p.Pro539Ser (NM_001204824.2); short protein forms P539S, P659S.
Identifiers: ClinVar variation 1522037 (VCV001522037.8), dbSNP rs2130924125, ClinGen allele CA372217215.
Genomic context (GRCh38, chr8:132,129,906, plus strand): 5'-CGGAATACCTGTTGTCCTCCTTCTTCTCTGCTTCAGCTGGCGAGGAGGTGCCCTTGGTTG[G>A]GTAATACTCCGTGACCTGCACCTGCAACCGTTCCATGTGTTGCATGTGCATATCCACGAG-3'
Protein context (NP_004510.1, residues 649-669): RLQVQVTEYY[Pro659Ser]TKGTSSPAEA

ClinVar aggregate classification (germline): Uncertain significance (1 of 4 stars; one submission).

Conditions:
Benign neonatal seizures. Also called: Convulsions benign familial neonatal dominant form; Autosomal dominant form of benign neonatal seizures; Benign familial neonatal seizures; Benign familial neonatal epilepsy; Benign neonatal familial convulsions. Identifiers: Orphanet 1949, MedGen C0220669, MONDO:0016027.

Allele frequency attached by ClinVar (database versions not stated): gnomAD exomes below 0.00001.
gnomAD v4.1: 1 of 1,613,998 alleles (0.000062%); highest among the groups gnomAD compares: Non-Finnish European, 0.000085%; no homozygotes.

Submission:

Labcorp Genetics (formerly Invitae), Labcorp
Classification: Uncertain significance for Benign neonatal seizures. Last evaluated: 2024-03-15. Review status: criteria provided, single submitter. Criteria: Invitae Variant Classification Sherloc (09022015). Collection method: clinical testing. Allele origin: germline.
Comment: This sequence change replaces proline, which is neutral and non-polar, with serine, which is neutral and polar, at codon 659 of the KCNQ3 protein (p.Pro659Ser). This variant is not present in population databases (gnomAD no frequency). This variant has not been reported in the literature in individuals affected with KCNQ3-related conditions. ClinVar contains an entry for this variant (Variation ID: 1522037). Advanced modeling of protein sequence and biophysical properties (such as structural, functional, and spatial information, amino acid conservation, physicochemical variation, residue mobility, and thermodynamic stability) performed at Invitae indicates that this missense variant is not expected to disrupt KCNQ3 protein function with a negative predictive value of 95%. In summary, the available evidence is currently insufficient to determine the role of this variant in disease. Therefore, it has been classified as a Variant of Uncertain Significance.